The following is an entry in ClinVar:

ClinVar aggregate classification (germline): Uncertain significance. Review status: criteria provided, multiple submitters, no conflicts (2 of 4 stars). 4 submissions from 4 submitters: Uncertain significance (4). Last evaluated 2025-12-08.

Conditions:
Cardiovascular phenotype. Identifiers: MedGen CN230736.
Cardiomyopathy (CMYO). Also called: Cardiomyopathies. Identifiers: Orphanet 167848, MedGen C0878544, MONDO:0004994, HP:0001638. Inheritance: Various modes of inheritance.
Catecholaminergic polymorphic ventricular tachycardia 1. Also called: VENTRICULAR TACHYCARDIA, CATECHOLAMINERGIC POLYMORPHIC, 1, WITH OR WITHOUT ATRIAL DYSFUNCTION AND/OR DILATED CARDIOMYOPATHY; RYR2-Related Catecholaminergic Polymorphic Ventricular Tachycardia; VENTRICULAR TACHYCARDIA, STRESS-INDUCED POLYMORPHIC 1. Identifiers: Orphanet 3286, MedGen C1631597, MONDO:0011484, OMIM 604772.

Allele frequency attached by ClinVar (database versions not stated): gnomAD exomes below 0.00001; ExAC 0.00001; gnomAD 0.00001; TOPMed 0.00001; ESP Exome Variant Server 0.00008.
gnomAD v4.1: 4 of 1,613,806 alleles (0.00025%); highest among the groups gnomAD compares: Non-Finnish European, 0.00025%; no homozygotes.

Submissions (4):

Ambry Genetics
Classification: Uncertain significance for Cardiovascular phenotype. Last evaluated: 2025-12-08. Review status: criteria provided, single submitter. Criteria: Ambry Variant Classification Scheme 2023. Collection method: clinical testing. Allele origin: germline.
Comment: The p.L1650F variant (also known as c.4950G>C), located in coding exon 37 of the RYR2 gene, results from a G to C substitution at nucleotide position 4950. The leucine at codon 1650 is replaced by phenylalanine, an amino acid with highly similar properties. This amino acid position is highly conserved in available vertebrate species. In addition, this alteration is predicted to be deleterious by in silico analysis. Based on the available evidence, the clinical significance of this variant remains unclear.

Labcorp Genetics (formerly Invitae), Labcorp
Classification: Uncertain significance for Catecholaminergic polymorphic ventricular tachycardia 1. Last evaluated: 2025-12-02. Review status: criteria provided, single submitter. Criteria: Invitae Variant Classification Sherloc (09022015). Collection method: clinical testing. Allele origin: germline.
Comment: This sequence change replaces leucine, which is neutral and non-polar, with phenylalanine, which is neutral and non-polar, at codon 1650 of the RYR2 protein (p.Leu1650Phe). This variant is present in population databases (rs376251968, gnomAD 0.002%). This variant has not been reported in the literature in individuals affected with RYR2-related conditions. ClinVar contains an entry for this variant (Variation ID: 919057). Invitae Evidence Modeling of protein sequence and biophysical properties (such as structural, functional, and spatial information, amino acid conservation, physicochemical variation, residue mobility, and thermodynamic stability) has been performed for this missense variant. However, the output from this modeling did not meet the statistical confidence thresholds required to predict the impact of this variant on RYR2 protein function. In summary, the available evidence is currently insufficient to determine the role of this variant in disease. Therefore, it has been classified as a Variant of Uncertain Significance.

GeneDx
Classification: Uncertain significance. Last evaluated: 2024-09-23. Review status: criteria provided, single submitter. Criteria: GeneDx Variant Classification Process June 2021. Collection method: clinical testing. Allele origin: germline. Affected: yes.
Comment: Not observed at significant frequency in large population cohorts (gnomAD); In silico analysis supports that this missense variant has a deleterious effect on protein structure/function; Has not been previously published as pathogenic or benign to our knowledge; Not located in one of the three hot-spot regions of the RYR2 gene, where the majority of pathogenic missense variants occur (PMID: 19926015); This variant is associated with the following publications: (PMID: 19926015)

Color Diagnostics, LLC DBA Color Health
Classification: Uncertain significance for Cardiomyopathy. Last evaluated: 2024-03-07. Review status: criteria provided, single submitter. Criteria: ACMG Guidelines, 2015. Collection method: clinical testing. Allele origin: germline.
Comment: This missense variant replaces leucine with phenylalanine at codon 1650 of the RYR2 protein. Computational prediction tool suggests that this variant may have deleterious impact on protein structure and function (internally defined REVEL score threshold >=0.7, PMID: 27666373). Splice site prediction tools suggest that this variant may not impact RNA splicing. To our knowledge, functional studies have not been performed for this variant. This variant has not been reported in individuals affected with cardiovascular disorders in the literature. This variant has been identified in 1/248068 chromosomes in the general population by the Genome Aggregation Database (gnomAD). The available evidence is insufficient to determine the role of this variant in disease conclusively. Therefore, this variant is classified as a Variant of Uncertain Significance.

NM_001035.3(RYR2):c.4950G>C (p.Leu1650Phe)

Gene: RYR2 (ryanodine receptor 2; plus strand). Cytogenetic location: 1q43.
Variant type: single nucleotide variant.
Coding change: c.4950G>C on transcript NM_001035.3 (MANE Select); coding-DNA position 4950, G replaced by C.
Protein change: p.Leu1650Phe; replaces leucine 1650 with phenylalanine.
Molecular consequence: missense variant.
Genome position (GRCh38, 1-based): chr1:237,614,078, G>C. VCF-style: chr1-237614078-G-C. GRCh37 (hg19) VCF-style: chr1-237777378-G-C.
Other names: c.4950G>C (NM_001035.2); short protein forms L1650F.
Identifiers: ClinVar variation 919057 (VCV000919057.14), dbSNP rs376251968, ClinGen allele CA086810.